The following is an entry in ClinVar:

ClinVar aggregate classification (germline): Uncertain significance (1 of 4 stars; one submission).

gnomAD v4.1: 2 of 1,614,056 alleles (0.00012%); highest among the groups gnomAD compares: African/African-American, 0.0027%; no homozygotes.

Submission:

Women's Health and Genetics/Laboratory Corporation of America, LabCorp
Classification: Uncertain significance. Last evaluated: 2025-06-18. Review status: criteria provided, single submitter. Criteria: LabCorp Variant Classification Summary - May 2015. Collection method: clinical testing. Allele origin: germline.
Comment: Variant summary: SYNE1 c.12529G>A (p.Val4177Ile) results in a conservative amino acid change in the encoded protein sequence. Algorithms developed to predict the effect of missense changes on protein structure and function all suggest that this variant is likely to be tolerated. The variant allele was found at a frequency of 8e-06 in 251438 control chromosomes. The available data on variant occurrences in the general population are insufficient to allow any conclusion about variant significance. To our knowledge, no occurrence of c.12529G>A in individuals affected with Autosomal recessive ataxia, Beauce type and no experimental evidence demonstrating its impact on protein function have been reported. No submitters have cited clinical-significance assessments for this variant to ClinVar. Based on the evidence outlined above, the variant was classified as uncertain significance.

NM_182961.4(SYNE1):c.12742G>A (p.Val4248Ile)

Gene: SYNE1 (spectrin repeat containing nuclear envelope protein 1; minus strand). Cytogenetic location: 6q25.2.
Variant type: single nucleotide variant.
Coding change: c.12742G>A on transcript NM_182961.4 (MANE Select); coding-DNA position 12742, G replaced by A.
Protein change: p.Val4248Ile; replaces valine 4248 with isoleucine.
Molecular consequence: missense variant.
Genome position (GRCh38, 1-based): chr6:152,334,060, C>T on the plus strand (G>A on the coding strand, the complement: SYNE1 is on the minus strand). VCF-style: chr6-152334060-C-T. GRCh37 (hg19) VCF-style: chr6-152655195-C-T.
Other names: c.12529G>A, p.Val4177Ile (NM_033071.5); short protein forms V4177I, V4248I.
Identifiers: ClinVar variation 3907013 (VCV003907013.1).